The following is an entry in ClinVar:

NM_001205293.3(CACNA1E):c.3126G>A (p.Met1042Ile)

Gene: CACNA1E (calcium voltage-gated channel subunit alpha1 E; plus strand). Cytogenetic location: 1q25.3.
Variant type: single nucleotide variant.
Coding change: c.3126G>A on transcript NM_001205293.3 (MANE Select); coding-DNA position 3126, G replaced by A.
Protein change: p.Met1042Ile; replaces methionine 1042 with isoleucine.
Molecular consequence: missense variant.
Genome position (GRCh38, 1-based): chr1:181,733,614, G>A. VCF-style: chr1-181733614-G-A. GRCh37 (hg19) VCF-style: chr1-181702750-G-A.
Other names: c.3126G>A (NM_001205293.1); c.3126G>A, p.Met1042Ile (NM_000721.4); c.3069G>A, p.Met1023Ile (NM_001205294.2); short protein forms M1023I, M1042I.
Identifiers: ClinVar variation 2965352 (VCV002965352.4), dbSNP rs1468702594, ClinGen allele CA343621068.

ClinVar aggregate classification (germline): Uncertain significance. Review status: criteria provided, multiple submitters, no conflicts (2 of 4 stars). 2 submissions from 2 submitters: Uncertain significance (2). Last evaluated 2025-06-11.

Conditions:
Inborn genetic diseases. Identifiers: MedGen C0950123, MeSH D030342.

Allele frequency attached by ClinVar (database versions not stated): gnomAD 0.00001; gnomAD exomes below 0.00001; TOPMed 0.00001.

Submissions (2):

Labcorp Genetics (formerly Invitae), Labcorp
Classification: Uncertain significance. Last evaluated: 2025-06-11. Review status: criteria provided, single submitter. Criteria: Invitae Variant Classification Sherloc (09022015). Collection method: clinical testing. Allele origin: germline.
Comment: This sequence change replaces methionine, which is neutral and non-polar, with isoleucine, which is neutral and non-polar, at codon 1042 of the CACNA1E protein (p.Met1042Ile). This variant is present in population databases (no rsID available, gnomAD 0.0009%). This variant has not been reported in the literature in individuals affected with CACNA1E-related conditions. ClinVar contains an entry for this variant (Variation ID: 2965352). Invitae Evidence Modeling of protein sequence and biophysical properties (such as structural, functional, and spatial information, amino acid conservation, physicochemical variation, residue mobility, and thermodynamic stability) indicates that this missense variant is not expected to disrupt CACNA1E protein function with a negative predictive value of 95%. In summary, the available evidence is currently insufficient to determine the role of this variant in disease. Therefore, it has been classified as a Variant of Uncertain Significance.

Ambry Genetics
Classification: Uncertain significance for Inborn genetic diseases. Last evaluated: 2024-01-24. Review status: criteria provided, single submitter. Criteria: Ambry Variant Classification Scheme 2023. Collection method: clinical testing. Allele origin: germline.